The following is an entry in ClinVar:

NM_017849.4(TMEM127):c.159G>T (p.Trp53Cys)

Gene: TMEM127 (transmembrane protein 127; minus strand). Cytogenetic location: 2q11.2.
Variant type: single nucleotide variant.
Coding change: c.159G>T on transcript NM_017849.4 (MANE Select); coding-DNA position 159, G replaced by T.
Protein change: p.Trp53Cys; replaces tryptophan 53 with cysteine.
Molecular consequence: missense variant.
Genome position (GRCh38, 1-based): chr2:96,265,223, C>A on the plus strand (G>T on the coding strand, the complement: TMEM127 is on the minus strand). VCF-style: chr2-96265223-C-A. GRCh37 (hg19) VCF-style: chr2-96930961-C-A.
Other names: c.159G>T, p.Trp53Cys (NM_001193304.3); short protein forms W53C.
Identifiers: ClinVar variation 1776107 (VCV001776107.7), dbSNP rs761977373, ClinGen allele CA1777388.

ClinVar aggregate classification (germline): Uncertain significance. Review status: criteria provided, multiple submitters, no conflicts (2 of 4 stars). 2 submissions from 2 submitters: Uncertain significance (2). Last evaluated 2022-05-12.

Conditions:
Hereditary cancer-predisposing syndrome. Also called: Tumor predisposition; Hereditary Cancer Syndrome; Hereditary neoplastic syndrome; Neoplastic Syndromes, Hereditary. Identifiers: Orphanet 140162, MedGen C0027672, MeSH D009386, MONDO:0015356.
Hereditary pheochromocytoma and paraganglioma. Also called: Hereditary paragangliomas and pheochromocytomas; Hereditary Paraganglioma-Pheochromocytoma Syndromes; Hereditary pheochromocytoma-paraganglioma. Identifiers: Orphanet 29072, MedGen C4274332, MONDO:0017366.

Allele frequency attached by ClinVar (database versions not stated): gnomAD exomes below 0.00001; ExAC 0.00001.
gnomAD v4.1: 2 of 1,604,710 alleles (0.00012%); highest among the groups gnomAD compares: South Asian, 0.0022%; no homozygotes.

Submissions (2):

Ambry Genetics
Classification: Uncertain significance for Hereditary cancer-predisposing syndrome. Last evaluated: 2022-05-12. Review status: criteria provided, single submitter. Criteria: Ambry Variant Classification Scheme 2023. Collection method: clinical testing. Allele origin: germline.
Comment: The p.W53C variant (also known as c.159G>T), located in coding exon 1 of the TMEM127 gene, results from a G to T substitution at nucleotide position 159. The tryptophan at codon 53 is replaced by cysteine, an amino acid with highly dissimilar properties. This amino acid position is conserved. In addition, this alteration is predicted to be deleterious by in silico analysis. Since supporting evidence is limited at this time, the clinical significance of this alteration remains unclear.

Labcorp Genetics (formerly Invitae), Labcorp
Classification: Uncertain significance for Hereditary pheochromocytoma and paraganglioma. Last evaluated: 2022-01-22. Review status: criteria provided, single submitter. Criteria: Invitae Variant Classification Sherloc (09022015). Collection method: clinical testing. Allele origin: germline.
Comment: This sequence change replaces tryptophan, which is neutral and slightly polar, with cysteine, which is neutral and slightly polar, at codon 53 of the TMEM127 protein (p.Trp53Cys). The frequency data for this variant in the population databases is considered unreliable, as metrics indicate poor data quality at this position in the gnomAD database. This variant has not been reported in the literature in individuals affected with TMEM127-related conditions. Algorithms developed to predict the effect of missense changes on protein structure and function are either unavailable or do not agree on the potential impact of this missense change (SIFT: "Deleterious"; PolyPhen-2: "Possibly Damaging"; Align-GVGD: "Class C0"). In summary, the available evidence is currently insufficient to determine the role of this variant in disease. Therefore, it has been classified as a Variant of Uncertain Significance.